The following is an entry in ClinVar:

NM_006180.6(NTRK2):c.1156G>T (p.Asp386Tyr)

Gene: NTRK2 (neurotrophic receptor tyrosine kinase 2; plus strand). Cytogenetic location: 9q21.33.
Variant type: single nucleotide variant.
Coding change: c.1156G>T on transcript NM_006180.6 (MANE Select); coding-DNA position 1156, G replaced by T.
Protein change: p.Asp386Tyr; replaces aspartic acid 386 with tyrosine.
Molecular consequence: missense variant.
Genome position (GRCh38, 1-based): chr9:84,727,956, G>T. VCF-style: chr9-84727956-G-T. GRCh37 (hg19) VCF-style: chr9-87342871-G-T.
Other names: c.1156G>T, p.Asp386Tyr (NM_001007097.3, NM_001018064.3, NM_001018065.2 and 17 more transcripts); c.1117G>T, p.Asp373Tyr (NM_001291937.2, NM_001369546.1); c.688G>T, p.Asp230Tyr (NM_001369535.1, NM_001369536.1, NM_001369550.1 and 2 more transcripts); short protein forms D230Y, D373Y, D386Y.
Identifiers: ClinVar variation 2572256 (VCV002572256.1), dbSNP rs200996090, ClinGen allele CA374009411.

ClinVar aggregate classification (germline): Uncertain significance (1 of 4 stars; one submission).

Submission:

Greenwood Genetic Center Diagnostic Laboratories, Greenwood Genetic Center
Classification: Uncertain significance. Last evaluated: 2023-06-06. Review status: criteria provided, single submitter. Criteria: ACMG Guidelines, 2015. Collection method: clinical testing. Allele origin: germline. Affected: yes.
Comment: PM2